The following is an entry in ClinVar:

ClinVar aggregate classification (germline): Uncertain significance (1 of 4 stars; one submission).

Conditions:
Shwachman-Diamond syndrome 1 (SDS1). Also called: LIPOMATOSIS OF PANCREAS, CONGENITAL. Identifiers: MedGen C4692625, MONDO:0044204, OMIM 260400.

gnomAD v4.1: 3 of 1,613,968 alleles (0.00019%); highest among the groups gnomAD compares: African/African-American, 0.004%; no homozygotes.

Submission:

Broad Center for Mendelian Genomics, Broad Institute of MIT and Harvard
Classification: Uncertain significance for Shwachman-Diamond syndrome 1. Last evaluated: 2025-02-07. Review status: criteria provided, single submitter. Criteria: ACMG Guidelines, 2015. Collection method: curation. Allele origin: germline. Inheritance: Autosomal recessive inheritance.
Comment: The p.Phe57Ser variant has been reported in 2 individuals with Shwachman-Diamond syndrome (DOI: 10.15406/jig.2014.01.00008, PMID: 24388329), and has been identified in 0.004% (3/74924) of African/African American chromosomes by the Genome Aggregation Database (gnomAD; dbSNP rs376960114). Although this variant has been seen in the general population in a heterozygous state, its frequency is low enough to be consistent with a recessive carrier frequency. The presence of a known pseudogene, SBDSP1, can impact the reliability of allele frequencies. Of the 2 affected individuals, both were compound heterozygotes that carried a reported pathogenic variant with unknown phase, which increases the likelihood that the p.Phe57Ser variant is pathogenic (Variation ID: 3196; DOI: 10.15406/jig.2014.01.00008, PMID: 24388329). Computational prediction tools and conservation analyses suggest that this variant may impact the protein, though this information is not predictive enough to determine pathogenicity. In summary, the clinical significance of the p.Phe57Ser variant is uncertain. ACMG/AMP Criteria applied: PM3, PP3_moderate, PM2_supporting (Richards 2015).

NM_016038.4(SBDS):c.170T>C (p.Phe57Ser)

Gene: SBDS (SBDS ribosome maturation factor; minus strand). Cytogenetic location: 7q11.21.
Variant type: single nucleotide variant.
Coding change: c.170T>C on transcript NM_016038.4 (MANE Select); coding-DNA position 170, T replaced by C.
Protein change: p.Phe57Ser; replaces phenylalanine 57 with serine.
Molecular consequence: missense variant.
Genome position (GRCh38, 1-based): chr7:66,994,300, A>G on the plus strand (T>C on the coding strand, the complement: SBDS is on the minus strand). VCF-style: chr7-66994300-A-G. GRCh37 (hg19) VCF-style: chr7-66459287-A-G.
Other names: NM_016038.4:c.170T>C; short protein forms F57S.
Identifiers: ClinVar variation 3776901 (VCV003776901.1).
Genomic context (GRCh38, chr7:66,994,300, plus strand): 5'-GTTCCAAACGCACTGATGAGATCTTCCTTTTTGGCAACCTGACCTTTAGAAACATTTACA[A>G]ACACTGAGTGGGTCTGCAGAACTTCATCGAGGTCTTTTTCCCTTGTGAGGGCAGGAGAGA-3'
Protein context (NP_057122.2, residues 47-67): LDEVLQTHSV[Phe57Ser]VNVSKGQVAK